The following is an entry in ClinVar:

ClinVar aggregate classification (germline): Uncertain significance (1 of 4 stars; one submission).

gnomAD v4.1: 8 of 1,613,940 alleles (0.0005%); highest among the groups gnomAD compares: Non-Finnish European, 0.00059%; no homozygotes.

Submission:

Labcorp Genetics (formerly Invitae), Labcorp
Classification: Uncertain significance. Last evaluated: 2021-10-18. Review status: criteria provided, single submitter. Criteria: Invitae Variant Classification Sherloc (09022015). Collection method: clinical testing. Allele origin: germline.
Comment: In summary, the available evidence is currently insufficient to determine the role of this variant in disease. Therefore, it has been classified as a Variant of Uncertain Significance. Algorithms developed to predict the effect of missense changes on protein structure and function output the following: SIFT: "Tolerated"; PolyPhen-2: "Benign"; Align-GVGD: "Class C0". The valine amino acid residue is found in multiple mammalian species, which suggests that this missense change does not adversely affect protein function. This variant has not been reported in the literature in individuals affected with WHRN-related conditions. This variant is not present in population databases (ExAC no frequency). This sequence change replaces glycine with valine at codon 533 of the WHRN protein (p.Gly533Val). The glycine residue is moderately conserved and there is a moderate physicochemical difference between glycine and valine.

NM_015404.4(WHRN):c.1598G>T (p.Gly533Val)

Gene: WHRN (whirlin; minus strand). Cytogenetic location: 9q32.
Variant type: single nucleotide variant.
Coding change: c.1598G>T on transcript NM_015404.4 (MANE Select); coding-DNA position 1598, G replaced by T.
Protein change: p.Gly533Val; replaces glycine 533 with valine.
Molecular consequence: missense variant.
Genome position (GRCh38, 1-based): chr9:114,423,342, C>A on the plus strand (G>T on the coding strand, the complement: WHRN is on the minus strand). VCF-style: chr9-114423342-C-A. GRCh37 (hg19) VCF-style: chr9-117185622-C-A.
Other names: c.449G>T, p.Gly150Val (NM_001083885.3); c.1598G>T, p.Gly533Val (NM_001173425.2); c.545G>T, p.Gly182Val (NM_001346890.1); short protein forms G150V, G182V, G533V.
Identifiers: ClinVar variation 1479044 (VCV001479044.6), dbSNP rs772100554, ClinGen allele CA374606913.